The following is an entry in ClinVar:

NM_001792.5(CDH2):c.2230G>T (p.Val744Leu)

Gene: CDH2 (cadherin 2; minus strand). Cytogenetic location: 18q12.1.
Variant type: single nucleotide variant.
Coding change: c.2230G>T on transcript NM_001792.5 (MANE Select); coding-DNA position 2230, G replaced by T.
Protein change: p.Val744Leu; replaces valine 744 with leucine.
Molecular consequence: missense variant.
Genome position (GRCh38, 1-based): chr18:27,983,063, C>A on the plus strand (G>T on the coding strand, the complement: CDH2 is on the minus strand). VCF-style: chr18-27983063-C-A. GRCh37 (hg19) VCF-style: chr18-25563027-C-A.
Other names: c.2137G>T, p.Val713Leu (NM_001308176.2); short protein forms V744L, V713L.
Identifiers: ClinVar variation 1949368 (VCV001949368.5), dbSNP rs1188062661, ClinGen allele CA402106379.
Genomic context (GRCh38, chr18:27,983,063, plus strand): 5'-CTTCTGGATCAATTAAAAGTTGTTTGGCCTGGCGTTCTTTATCCCGGCGTTTCATCCATA[C>A]CACAAACATCAGCACAAGGACTAGGTAGAAAAATAGTAAAAATACATAATATTGTCATTT-3'
Protein context (NP_001783.2, residues 734-754): ILLILVLMFV[Val744Leu]WMKRRDKERQ

ClinVar aggregate classification (germline): Uncertain significance (1 of 4 stars; one submission).

Submission:

Labcorp Genetics (formerly Invitae), Labcorp
Classification: Uncertain significance. Last evaluated: 2022-07-21. Review status: criteria provided, single submitter. Criteria: Invitae Variant Classification Sherloc (09022015). Collection method: clinical testing. Allele origin: germline.
Comment: This sequence change replaces valine, which is neutral and non-polar, with leucine, which is neutral and non-polar, at codon 744 of the CDH2 protein (p.Val744Leu). This variant is not present in population databases (gnomAD no frequency). This variant has not been reported in the literature in individuals affected with CDH2-related conditions. Algorithms developed to predict the effect of missense changes on protein structure and function (SIFT, PolyPhen-2, Align-GVGD) all suggest that this variant is likely to be tolerated. In summary, the available evidence is currently insufficient to determine the role of this variant in disease. Therefore, it has been classified as a Variant of Uncertain Significance.